The following is an entry in ClinVar:

ClinVar aggregate classification (germline): Uncertain significance. Review status: criteria provided, multiple submitters, no conflicts (2 of 4 stars). 4 submissions from 4 submitters: Uncertain significance (3). 1 of the submissions does not count toward it. Last evaluated 2026-01-21.

Conditions:
Leber congenital amaurosis 13 (LCA13). Identifiers: MedGen C2675186, MONDO:0012990, OMIM 612712.
Inborn genetic diseases. Identifiers: MedGen C0950123, MeSH D030342.
Leber congenital amaurosis (LCA). Also called: Leber's amaurosis. Identifiers: Orphanet 65, MedGen C0339527, MeSH D057130, MONDO:0018998.

Allele frequency attached by ClinVar (database versions not stated): gnomAD 0.00002; gnomAD exomes 0.00002; ExAC 0.00003; TOPMed 0.00003; ESP Exome Variant Server 0.00008.
gnomAD v4.1: 32 of 1,613,444 alleles (0.002%); highest among the groups gnomAD compares: East Asian, 0.013%; no homozygotes.

Submissions (4):

Labcorp Genetics (formerly Invitae), Labcorp
Classification: Uncertain significance for Leber congenital amaurosis 13. Last evaluated: 2026-01-21. Review status: criteria provided, single submitter. Criteria: Invitae Variant Classification Sherloc (09022015). Collection method: clinical testing. Allele origin: germline.
Comment: This sequence change replaces arginine, which is basic and polar, with cysteine, which is neutral and slightly polar, at codon 212 of the RDH12 protein (p.Arg212Cys). This variant is present in population databases (rs146653515, gnomAD 0.03%). This variant has not been reported in the literature in individuals affected with RDH12-related conditions. ClinVar contains an entry for this variant (Variation ID: 972452). Invitae Evidence Modeling of protein sequence and biophysical properties (such as structural, functional, and spatial information, amino acid conservation, physicochemical variation, residue mobility, and thermodynamic stability) has been performed for this missense variant. However, the output from this modeling did not meet the statistical confidence thresholds required to predict the impact of this variant on RDH12 protein function. In summary, the available evidence is currently insufficient to determine the role of this variant in disease. Therefore, it has been classified as a Variant of Uncertain Significance.

Ambry Genetics
Classification: Uncertain significance for Inborn genetic diseases. Last evaluated: 2025-01-26. Review status: criteria provided, single submitter. Criteria: Ambry Variant Classification Scheme 2023. Collection method: clinical testing. Allele origin: germline.

Blueprint Genetics
Classification: Uncertain significance. Last evaluated: 2022-09-12. Review status: criteria provided, single submitter. Criteria: ACMG Guidelines, 2015. Collection method: clinical testing. Allele origin: germline.

Natera, Inc.
Classification: Uncertain significance for Leber congenital amaurosis. Last evaluated: 2020-06-12. Review status: no assertion criteria provided. Collection method: clinical testing. Allele origin: germline. Not counted in ClinVar's aggregate classification.

NM_152443.3(RDH12):c.634C>T (p.Arg212Cys)

Genes: GPHN (gephyrin; plus strand), RDH12 (retinol dehydrogenase 12; plus strand). Cytogenetic location: 14q24.1.
Variant type: single nucleotide variant.
Coding change: c.634C>T on transcript NM_152443.3 (MANE Select); coding-DNA position 634, C replaced by T.
Protein change: p.Arg212Cys; replaces arginine 212 with cysteine.
Molecular consequence: missense variant.
Genome position (GRCh38, 1-based): chr14:67,727,166, C>T. VCF-style: chr14-67727166-C-T. GRCh37 (hg19) VCF-style: chr14-68193883-C-T.
Other names: short protein forms R212C.
Identifiers: ClinVar variation 972452 (VCV000972452.8), dbSNP rs146653515, ClinGen allele CA7238765.